The following is an entry in ClinVar:

ClinVar aggregate classification (germline): Uncertain significance. Review status: criteria provided, multiple submitters, no conflicts (2 of 4 stars). 4 submissions from 4 submitters: Uncertain significance (4). Last evaluated 2026-08-31.

Conditions:
Inborn genetic diseases. Identifiers: MedGen C0950123, MeSH D030342.
Ectodermal dysplasia 10A, hypohidrotic/hair/nail type, autosomal dominant (ECTD10A). Also called: Ectodermal Dysplasia 3, Anhidrotic. Identifiers: Orphanet 1810, Orphanet 238468, MedGen C3888065, MONDO:0007509, OMIM 129490.
Autosomal recessive hypohidrotic ectodermal dysplasia syndrome. Also called: Autosomal recessive hypohidrotic ectodermal dysplasia. Identifiers: Orphanet 248, MedGen C0406702, MONDO:0016619.
EDAR-related disorder. Also called: EDAR-related condition.

Allele frequency attached by ClinVar (database versions not stated): ExAC 0.00004; ESP Exome Variant Server 0.00008; gnomAD 0.00009.
gnomAD v4.1: 40 of 1,613,754 alleles (0.0025%); highest among the groups gnomAD compares: African/African-American, 0.025%; no homozygotes.

Submissions (4):

PreventionGenetics, part of Exact Sciences
Classification: Uncertain significance for EDAR-related condition. Last evaluated: 2026-08-31. Review status: criteria provided, single submitter. Criteria: ACMG Guidelines, 2015. Collection method: clinical testing. Allele origin: germline.
Comment: The EDAR c.155C>T variant is predicted to result in the amino acid substitution p.Pro52Leu. To our knowledge, this variant has not been reported in the literature. This variant is reported in 0.040% of alleles in individuals of African descent in gnomAD. At this time, the clinical significance of this variant is uncertain due to the absence of conclusive functional and genetic evidence.

Labcorp Genetics (formerly Invitae), Labcorp
Classification: Uncertain significance for Ectodermal dysplasia 10A, hypohidrotic/hair/nail type, autosomal dominant; Autosomal recessive hypohidrotic ectodermal dysplasia syndrome. Last evaluated: 2025-09-08. Review status: criteria provided, single submitter. Criteria: Invitae Variant Classification Sherloc (09022015). Collection method: clinical testing. Allele origin: germline.
Comment: This sequence change replaces proline, which is neutral and non-polar, with leucine, which is neutral and non-polar, at codon 52 of the EDAR protein (p.Pro52Leu). This variant is present in population databases (rs150453017, gnomAD 0.04%). This variant has not been reported in the literature in individuals affected with EDAR-related conditions. ClinVar contains an entry for this variant (Variation ID: 2948339). Invitae Evidence Modeling of protein sequence and biophysical properties (such as structural, functional, and spatial information, amino acid conservation, physicochemical variation, residue mobility, and thermodynamic stability) has been performed for this missense variant. However, the output from this modeling did not meet the statistical confidence thresholds required to predict the impact of this variant on EDAR protein function. In summary, the available evidence is currently insufficient to determine the role of this variant in disease. Therefore, it has been classified as a Variant of Uncertain Significance.

GeneDx
Classification: Uncertain significance. Last evaluated: 2025-02-10. Review status: criteria provided, single submitter. Criteria: GeneDx Variant Classification Process June 2021. Collection method: clinical testing. Allele origin: germline. Affected: yes.
Comment: Missense variants in this gene are a common cause of disease and they are underrepresented in the general population; In silico analysis supports that this missense variant has a deleterious effect on protein structure/function; Has not been previously published as pathogenic or benign to our knowledge

Ambry Genetics
Classification: Uncertain significance for Inborn genetic diseases. Last evaluated: 2024-07-22. Review status: criteria provided, single submitter. Criteria: Ambry Variant Classification Scheme 2023. Collection method: clinical testing. Allele origin: germline.

NM_022336.4(EDAR):c.155C>T (p.Pro52Leu)

Genes: EDAR (ectodysplasin A receptor; minus strand), RANBP2 (RAN binding protein 2; plus strand). Cytogenetic location: 2q13.
Variant type: single nucleotide variant.
Coding change: c.155C>T on transcript NM_022336.4 (MANE Select); coding-DNA position 155, C replaced by T.
Protein change: p.Pro52Leu; replaces proline 52 with leucine.
Molecular consequence: missense variant.
Genome position (GRCh38, 1-based): chr2:108,930,139, G>A on the plus strand (C>T on the coding strand, the complement: EDAR is on the minus strand). VCF-style: chr2-108930139-G-A. GRCh37 (hg19) VCF-style: chr2-109546595-G-A.
Other names: c.155C>T (NM_022336.3); short protein forms P52L.
Identifiers: ClinVar variation 2948339 (VCV002948339.6), dbSNP rs150453017, ClinGen allele CA1825193.